The following is an entry in ClinVar:

ClinVar aggregate classification (germline): Uncertain significance (1 of 4 stars; one submission).

Submission:

Labcorp Genetics (formerly Invitae), Labcorp
Classification: Uncertain significance. Last evaluated: 2024-09-21. Review status: criteria provided, single submitter. Criteria: Invitae Variant Classification Sherloc (09022015). Collection method: clinical testing. Allele origin: germline.
Comment: This sequence change replaces serine, which is neutral and polar, with asparagine, which is neutral and polar, at codon 183 of the IRF9 protein (p.Ser183Asn). This variant is not present in population databases (gnomAD no frequency). This variant has not been reported in the literature in individuals affected with IRF9-related conditions. An algorithm developed to predict the effect of missense changes on protein structure and function outputs the following: PolyPhen-2: "Benign". The asparagine amino acid residue is found in multiple mammalian species, which suggests that this missense change does not adversely affect protein function. In summary, the available evidence is currently insufficient to determine the role of this variant in disease. Therefore, it has been classified as a Variant of Uncertain Significance.

NM_006084.5(IRF9):c.548G>A (p.Ser183Asn)

Gene: IRF9 (interferon regulatory factor 9; plus strand). Cytogenetic location: 14q12.
Variant type: single nucleotide variant.
Coding change: c.548G>A on transcript NM_006084.5 (MANE Select); coding-DNA position 548, G replaced by A.
Protein change: p.Ser183Asn; replaces serine 183 with asparagine.
Molecular consequence: missense variant.
Genome position (GRCh38, 1-based): chr14:24,163,930, G>A. VCF-style: chr14-24163930-G-A. GRCh37 (hg19) VCF-style: chr14-24633139-G-A.
Other names: c.548G>A, p.Ser183Asn (NM_001385400.1, NM_001385401.1, NM_001385402.1); short protein forms S183N.
Identifiers: ClinVar variation 3721257 (VCV003721257.2).